The following is an entry in ClinVar:

NM_020975.6(RET):c.3116C>A (p.Pro1039Gln)

Gene: RET (ret proto-oncogene; plus strand). Cytogenetic location: 10q11.21.
Variant type: single nucleotide variant.
Coding change: c.3116C>A on transcript NM_020975.6 (MANE Select); coding-DNA position 3116, C replaced by A.
Protein change: p.Pro1039Gln; replaces proline 1039 with glutamine.
Molecular consequence: missense variant.
Genome position (GRCh38, 1-based): chr10:43,126,651, C>A. VCF-style: chr10-43126651-C-A. GRCh37 (hg19) VCF-style: chr10-43622099-C-A.
Other names: c.3116C>A, p.Pro1039Gln (NM_000323.2, NM_001406743.1, NM_001406744.1 and 4 more transcripts); c.2354C>A, p.Pro785Gln (NM_001355216.2); c.2987C>A, p.Pro996Gln (NM_001406761.1, NM_001406762.1, NM_001406764.1); c.2981C>A, p.Pro994Gln (NM_001406763.1, NM_001406765.1); c.2828C>A, p.Pro943Gln (NM_001406766.1, NM_001406767.1, NM_001406770.1); c.2852C>A, p.Pro951Gln (NM_001406768.1); c.2720C>A, p.Pro907Gln (NM_001406769.1, NM_001406772.1); c.2678C>A, p.Pro893Gln (NM_001406771.1, NM_001406773.1); and 10 more; short protein forms P1039Q, P785Q, P604Q, P697Q, P740Q, P797Q, P996Q, P556Q.
Identifiers: ClinVar variation 135182 (VCV000135182.14), dbSNP rs79853121, ClinGen allele CA009192.

ClinVar aggregate classification (germline): Uncertain significance. Review status: criteria provided, multiple submitters, no conflicts (2 of 4 stars). 3 submissions from 3 submitters: Uncertain significance (2). 1 of the submissions does not count toward it. Last evaluated 2024-12-22.

Conditions:
Hereditary cancer-predisposing syndrome. Also called: Tumor predisposition; Hereditary neoplastic syndrome; Neoplastic Syndromes, Hereditary; Hereditary Cancer Syndrome. Identifiers: Orphanet 140162, MedGen C0027672, MeSH D009386, MONDO:0015356.
Multiple endocrine neoplasia, type 2 (MEN2). Identifiers: Orphanet 653, MedGen C4048306, MONDO:0019003. Disease mechanism: gain of function.

gnomAD v4.1: 3 of 1,613,956 alleles (0.00019%); highest among the groups gnomAD compares: Non-Finnish European, 0.00017%; no homozygotes.

Submissions (3):

Ambry Genetics
Classification: Uncertain significance for Hereditary cancer-predisposing syndrome. Last evaluated: 2024-12-22. Review status: criteria provided, single submitter. Criteria: Ambry Variant Classification Scheme 2023. Collection method: clinical testing. Allele origin: germline.
Comment: The p.P1039Q variant (also known as c.3116C>A), located in coding exon 19 of the RET gene, results from a C to A substitution at nucleotide position 3116. The proline at codon 1039 is replaced by glutamine, an amino acid with similar properties. This variant was identified in a cohort of 681 ancestrally diverse, healthy subjects (Bodian DL et al. PLoS One, 2014 Apr;9:e94554). This amino acid position is highly conserved in available vertebrate species. In addition, this alteration is predicted to be deleterious by in silico analysis. Since supporting evidence is limited at this time, the clinical significance of this alteration remains unclear.

Labcorp Genetics (formerly Invitae), Labcorp
Classification: Uncertain significance for Multiple endocrine neoplasia, type 2. Last evaluated: 2024-10-27. Review status: criteria provided, single submitter. Criteria: Invitae Variant Classification Sherloc (09022015). Collection method: clinical testing. Allele origin: germline.
Comment: This sequence change replaces proline, which is neutral and non-polar, with glutamine, which is neutral and polar, at codon 1039 of the RET protein (p.Pro1039Gln). This variant is present in population databases (rs79853121, gnomAD 0.007%). This missense change has been observed in individual(s) with clinical features of Hirschsprung disease (PMID: 8852653). ClinVar contains an entry for this variant (Variation ID: 135182). An algorithm developed to predict the effect of missense changes on protein structure and function (PolyPhen-2) suggests that this variant is likely to be disruptive. In summary, the available evidence is currently insufficient to determine the role of this variant in disease. Therefore, it has been classified as a Variant of Uncertain Significance.

ITMI
No classification provided. Condition: AllHighlyPenetrant. Last evaluated: 2013-09-19. Review status: no classification provided. Collection method: reference population. Allele origin: germline. Not counted in ClinVar's aggregate classification.
Comment: Please see associated publication for description of ethnicities

Literature cited by the submitters: PubMed 24728327 (cited by Ambry Genetics and ITMI); PubMed 8852653 (cited by Labcorp Genetics (formerly Invitae), Labcorp).